The following is an entry in ClinVar:

ClinVar aggregate classification (germline): Likely benign. Review status: criteria provided, multiple submitters, no conflicts (2 of 4 stars). 6 submissions from 5 submitters: Likely benign (6). Last evaluated 2025-07-14.

Conditions:
Adams-Oliver syndrome 5 (AOS5). Identifiers: Orphanet 974, MedGen C4014970, MONDO:0014459, OMIM 616028.
Aortic valve disease 1 (AOVD1). Identifiers: MedGen C3887892, MONDO:0024523, OMIM 109730.
Familial thoracic aortic aneurysm and aortic dissection (TAAD). Also called: Thoracic aortic aneurysms and dissections. Identifiers: Orphanet 91387, MedGen C4707243, MONDO:0019625.

Allele frequency attached by ClinVar (database versions not stated): gnomAD 0.00001 and 0.00002; TOPMed 0.00002; gnomAD exomes 0.00004 and 0.00005; ExAC 0.00006; ESP Exome Variant Server 0.00008.
gnomAD v4.1: 76 of 1,586,918 alleles (0.0048%); highest among the groups gnomAD compares: East Asian, 0.0069%; no homozygotes.

Submissions (6):

Labcorp Genetics (formerly Invitae), Labcorp
Classification: Likely benign for Adams-Oliver syndrome 5. Last evaluated: 2025-07-14. Review status: criteria provided, single submitter. Criteria: Invitae Variant Classification Sherloc (09022015). Collection method: clinical testing. Allele origin: germline.

Blueprint Genetics
Classification: Likely benign. Last evaluated: 2024-09-05. Review status: criteria provided, single submitter. Criteria: ACMG Guidelines, 2015. Collection method: clinical testing. Allele origin: germline.

Ambry Genetics
Classification: Likely benign for Familial thoracic aortic aneurysm and aortic dissection. Last evaluated: 2024-09-02. Review status: criteria provided, single submitter. Criteria: Ambry Variant Classification Scheme 2023. Collection method: clinical testing. Allele origin: germline.

Genome-Nilou Lab
Classification: Likely benign for Adams-Oliver syndrome 5. Last evaluated: 2022-03-15. Review status: criteria provided, single submitter. Criteria: ACMG Guidelines, 2015. Collection method: clinical testing. Allele origin: germline. Affected: no.

Genome-Nilou Lab
Classification: Likely benign for Aortic valve disease 1. Last evaluated: 2022-03-15. Review status: criteria provided, single submitter. Criteria: ACMG Guidelines, 2015. Collection method: clinical testing. Allele origin: germline. Affected: no.

GeneDx
Classification: Likely benign. Last evaluated: 2019-07-08. Review status: criteria provided, single submitter. Criteria: GeneDx Variant Classification (06012015). Collection method: clinical testing. Allele origin: germline. Affected: yes.
Comment: This variant is considered likely benign or benign based on one or more of the following criteria: it is a conservative change, it occurs at a poorly conserved position in the protein, it is predicted to be benign by multiple in silico algorithms, and/or has population frequency not consistent with disease.

NM_017617.5(NOTCH1):c.1731C>T (p.Tyr577=)

Gene: NOTCH1 (notch receptor 1; minus strand). Cytogenetic location: 9q34.3.
Variant type: single nucleotide variant.
Coding change: c.1731C>T on transcript NM_017617.5 (MANE Select); coding-DNA position 1731, C replaced by T.
Protein change: p.Tyr577=; no amino-acid change (tyrosine 577 retained).
Molecular consequence: synonymous variant.
Genome position (GRCh38, 1-based): chr9:136,515,655, G>A on the plus strand (C>T on the coding strand, the complement: NOTCH1 is on the minus strand). VCF-style: chr9-136515655-G-A. GRCh37 (hg19) VCF-style: chr9-139410107-G-A.
Identifiers: ClinVar variation 669215 (VCV000669215.12), dbSNP rs377472138, ClinGen allele CA5341646.
Genomic context (GRCh38, chr9:136,515,655, plus strand): 5'-GCCCGTGTAGCCTGGGCGGCAGAGGCAGGTGAAGGTGGCGACGCCGTCCTTGCAGGAGCC[G>A]TAGTGGCAGGGGTCGGGGTCGCACTCATCGATGTCCACCTCGCAGTGCGTCCCCGTGTAC-3'
Protein context (NP_060087.3, residues 567-587): IDECDPDPCH[Tyr577=]GSCKDGVATF